The following is an entry in ClinVar:

NM_004560.4(ROR2):c.717C>T (p.Cys239=)

Gene: ROR2 (ROR family WNT receptor 2; minus strand). Cytogenetic location: 9q22.31.
Variant type: single nucleotide variant.
Coding change: c.717C>T on transcript NM_004560.4 (MANE Select); coding-DNA position 717, C replaced by T.
Protein change: p.Cys239=; no amino-acid change (cysteine 239 retained).
Molecular consequence: synonymous variant.
Genome position (GRCh38, 1-based): chr9:91,733,342, G>A on the plus strand (C>T on the coding strand, the complement: ROR2 is on the minus strand). VCF-style: chr9-91733342-G-A. GRCh37 (hg19) VCF-style: chr9-94495624-G-A.
Other names: c.717C>T, p.Cys239= (NM_001318204.2).
Identifiers: ClinVar variation 367514 (VCV000367514.43), dbSNP rs56302651, ClinGen allele CA5120917.

ClinVar aggregate classification (germline): Benign/Likely benign. Review status: criteria provided, multiple submitters, no conflicts (2 of 4 stars). 7 submissions from 6 submitters: Benign (4); Likely benign (3). Last evaluated 2026-07-01.

Conditions:
Brachydactyly type B1 (BDB1). Identifiers: Orphanet 572385, Orphanet 93383, MedGen C1862112, MONDO:0007220, OMIM 113000.
Autosomal recessive Robinow syndrome (RRS1). Also called: ROR2-Related Robinow Syndrome; ROBINOW SYNDROME, AUTOSOMAL RECESSIVE 1; COSTOVERTEBRAL SEGMENTATION DEFECT WITH MESOMELIA; COVESDEM SYNDROME. Identifiers: Orphanet 1507, Orphanet 97360, MedGen C5399974, MONDO:0009999, OMIM 268310.

Allele frequency attached by ClinVar (database versions not stated): gnomAD exomes 0.00265 and 0.00271; ExAC 0.00316; 1000 Genomes Project 0.00319; 1000 Genomes Project 30x 0.00375; gnomAD 0.00553 and 0.00597; TOPMed 0.00607; ESP Exome Variant Server 0.00730.
gnomAD v4.1: 4,707 of 1,612,254 alleles (0.29%); highest among the groups gnomAD compares: African/African-American, 1.4%; 14 homozygotes.

Submissions (7):

CeGaT Center for Human Genetics Tuebingen
Classification: Benign. Last evaluated: 2026-07-01. Review status: criteria provided, single submitter. Criteria: CeGaT Center For Human Genetics Tuebingen Variant Classification Criteria Version 2. Collection method: clinical testing. Allele origin: germline. Affected: yes. Observed: 7 variant alleles.
Comment: ROR2: BP4, BP7, BS1, BS2

Labcorp Genetics (formerly Invitae), Labcorp
Classification: Benign. Last evaluated: 2026-02-01. Review status: criteria provided, single submitter. Criteria: Invitae Variant Classification Sherloc (09022015). Collection method: clinical testing. Allele origin: germline.

Blueprint Genetics
Classification: Likely benign. Last evaluated: 2024-11-25. Review status: criteria provided, single submitter. Criteria: ACMG Guidelines, 2015. Collection method: clinical testing. Allele origin: germline.

GeneDx
Classification: Likely benign. Last evaluated: 2021-10-27. Review status: criteria provided, single submitter. Criteria: GeneDx Variant Classification Process June 2021. Collection method: clinical testing. Allele origin: germline. Affected: yes.

Fulgent Genetics
Classification: Likely benign for Brachydactyly type B1; Autosomal recessive Robinow syndrome. Last evaluated: 2021-07-21. Review status: criteria provided, single submitter. Criteria: ACMG Guidelines, 2015. Collection method: clinical testing. Allele origin: unknown.

Illumina Laboratory Services, Illumina
Classification: Benign for Autosomal recessive Robinow syndrome. Last evaluated: 2018-01-12. Review status: criteria provided, single submitter. Criteria: ICSL Variant Classification Criteria 13 December 2019. Collection method: clinical testing. Allele origin: germline.
Comment: This variant was observed in the ICSL laboratory as part of a predisposition screen in an ostensibly healthy population. It had not been previously curated by ICSL or reported in the Human Gene Mutation Database (HGMD: prior to June 1st, 2018), and was therefore a candidate for classification through an automated scoring system. Utilizing variant allele frequency, disease prevalence and penetrance estimates, and inheritance mode, an automated score was calculated to assess if this variant is too frequent to cause the disease. Based on the score and internal cut-off values, a variant classified as benign is not then subjected to further curation. The score for this variant resulted in a classification of benign for this disease.

Illumina Laboratory Services, Illumina
Classification: Benign for Brachydactyly type B1. Last evaluated: 2018-01-12. Review status: criteria provided, single submitter. Criteria: ICSL Variant Classification Criteria 13 December 2019. Collection method: clinical testing. Allele origin: germline.
Comment: the same text as in the submission from Illumina Laboratory Services, Illumina above.